The following is an entry in ClinVar:

NM_000038.6(APC):c.4328_4335del (p.Pro1443fs)

Gene: APC (APC regulator of Wnt signaling pathway; plus strand). Cytogenetic location: 5q22.2.
Variant type: Deletion.
Coding change: c.4328_4335del on transcript NM_000038.6 (MANE Select); coding-DNA positions 4328 to 4335, 8 bases deleted (CTCAAACA; older notation c.4328_4335delCTCAAACA).
Protein change: p.Pro1443fs; shifts the reading frame from proline 1443.
Molecular consequence: frameshift variant.
Genome position (GRCh38, 1-based): chr5:112,839,922-112,839,929, CTCAAACA deleted. VCF-style (leftmost placement, unchanged base first): chr5-112839921-CCTCAAACA-C. GRCh37 (hg19) VCF-style: chr5-112175618-CCTCAAACA-C.
Other names: c.4328_4335del, p.Pro1443fs (NM_001127510.3, NM_001354895.2); c.4274_4281del, p.Pro1425fs (NM_001127511.3); c.4382_4389del, p.Pro1461fs (NM_001354896.2); c.4358_4365del, p.Pro1453fs (NM_001354897.2); c.4253_4260del, p.Pro1418fs (NM_001354898.2); c.4244_4251del, p.Pro1415fs (NM_001354899.2); c.4205_4212del, p.Pro1402fs (NM_001354900.2); c.4151_4158del, p.Pro1384fs (NM_001354901.2); and 5 more; short protein forms P1160fs, P1283fs, P1317fs, P1342fs, P1352fs, P1384fs, P1402fs, P1415fs.
Identifiers: ClinVar variation 1333501 (VCV001333501.1), dbSNP rs2149911897, ClinGen allele CA2573052390.

ClinVar aggregate classification (germline): Likely pathogenic (1 of 4 stars; one submission).

Conditions:
Familial adenomatous polyposis 1 (FAP1). Also called: POLYPOSIS, ADENOMATOUS INTESTINAL; FAMILIAL ADENOMATOUS POLYPOSIS 1, ATTENUATED. Identifiers: MedGen C2713442, MONDO:0021056, OMIM 175100. Disease mechanism: loss of function.

Submission:

3billion
Classification: Likely pathogenic for Familial adenomatous polyposis 1. Last evaluated: 2022-01-03. Review status: criteria provided, single submitter. Criteria: ACMG Guidelines, 2015. Collection method: clinical testing. Allele origin: germline. Affected: yes. Observed: 1 heterozygote.
Comment: Frameshift: predicted to result in a loss or disruption of normal protein function through protein truncation. The predicted truncated protein may be shortened by more than 10% (PVS1_S). It is not observed in the gnomAD v2.1.1 dataset (PM2_M). Therefore, this variant is classified as likely pathogenic according to the recommendation of ACMG/AMP guideline.